The following is an entry in ClinVar:

NM_000136.3(FANCC):c.1063G>C (p.Asp355His)

Genes: AOPEP (aminopeptidase O (putative); plus strand), FANCC (FA complementation group C; minus strand). Cytogenetic location: 9q22.32.
Variant type: single nucleotide variant.
Coding change: c.1063G>C on transcript NM_000136.3 (MANE Select); coding-DNA position 1063, G replaced by C.
Protein change: p.Asp355His; replaces aspartic acid 355 with histidine.
Molecular consequence: missense variant.
Genome position (GRCh38, 1-based): chr9:95,117,324, C>G on the plus strand (G>C on the coding strand, the complement: FANCC is on the minus strand). VCF-style: chr9-95117324-C-G. GRCh37 (hg19) VCF-style: chr9-97879606-C-G.
Other names: c.1063G>C, p.Asp355His (NM_001243743.2, NM_001243744.2); short protein forms D355H.
Identifiers: ClinVar variation 134295 (VCV000134295.15), dbSNP rs587778325, ClinGen allele CA159384.

ClinVar aggregate classification (germline): Conflicting classifications of pathogenicity. Review status: criteria provided, conflicting classifications (1 of 4 stars). 6 submissions from 6 submitters: Uncertain significance (4); Likely benign (1). 1 of the submissions does not count toward it. Last evaluated 2026-10-01.

Conditions:
Hereditary cancer-predisposing syndrome. Also called: Neoplastic Syndromes, Hereditary; Tumor predisposition; Hereditary neoplastic syndrome; Hereditary Cancer Syndrome. Identifiers: Orphanet 140162, MedGen C0027672, MeSH D009386, MONDO:0015356.
Fanconi anemia (FA). Also called: Fanconi's anemia. Identifiers: Orphanet 84, MedGen C0015625, MeSH D005199, MONDO:0019391.
Fanconi anemia complementation group C (FANCC). Also called: FANCC-Related Fanconi Anemia; FANCONI PANCYTOPENIA, TYPE 3; FACC; Fanconi anemia, group C. Identifiers: Orphanet 84, MedGen C3468041, MONDO:0009213, OMIM 227645.

Allele frequency attached by ClinVar (database versions not stated): ExAC 0.00002; gnomAD exomes 0.00002 and 0.00001; gnomAD 0.00001.
gnomAD v4.1: 30 of 1,613,978 alleles (0.0019%); highest among the groups gnomAD compares: Non-Finnish European, 0.0017%; no homozygotes.

Submissions (6):

St. Jude Molecular Pathology, St. Jude Children's Research Hospital
Classification: Uncertain significance for Fanconi anemia complementation group C. Last evaluated: 2026-10-01. Review status: criteria provided, single submitter. Criteria: St. Jude Assertion Criteria 2020. Collection method: clinical testing. Allele origin: germline.
Comment: The FANCC c.1063G>C; p.(Asp355His) missense change has a maximum founder subpopulation frequency of 0.004% and a maximum non-founder subpopulation frequency of 0.0015% in gnomAD v2.1.1. The in silico tool REVEL predicts a benign effect on protein function. In a case-control study, this variant was reported in individuals with breast cancer as well as controls (PMID: 33471991). This variant has also been reported in an individual with ovarian cancer (PMID: 32546565). To our knowledge, this variant has not been reported in the literature in individuals with Fanconi anemia. In summary, the evidence currently available is insufficient to determine the clinical significance of this variant. It has therefore been classified as of uncertain significance (VUS-Low).

Labcorp Genetics (formerly Invitae), Labcorp
Classification: Uncertain significance for Fanconi anemia. Last evaluated: 2024-12-20. Review status: criteria provided, single submitter. Criteria: Invitae Variant Classification Sherloc (09022015). Collection method: clinical testing. Allele origin: germline.
Comment: This sequence change replaces aspartic acid, which is acidic and polar, with histidine, which is basic and polar, at codon 355 of the FANCC protein (p.Asp355His). This variant is present in population databases (rs587778325, gnomAD 0.004%). This variant has not been reported in the literature in individuals affected with FANCC-related conditions. ClinVar contains an entry for this variant (Variation ID: 134295). Invitae Evidence Modeling of protein sequence and biophysical properties (such as structural, functional, and spatial information, amino acid conservation, physicochemical variation, residue mobility, and thermodynamic stability) indicates that this missense variant is not expected to disrupt FANCC protein function with a negative predictive value of 80%. In summary, the available evidence is currently insufficient to determine the role of this variant in disease. Therefore, it has been classified as a Variant of Uncertain Significance.

GeneDx
Classification: Uncertain significance. Last evaluated: 2024-10-22. Review status: criteria provided, single submitter. Criteria: GeneDx Variant Classification Process June 2021. Collection method: clinical testing. Allele origin: germline. Affected: yes.
Comment: Not observed at significant frequency in large population cohorts (gnomAD); In silico analysis indicates that this missense variant does not alter protein structure/function; This variant is associated with the following publications: (PMID: Gordon2000[Book], 24728327)

Blueprint Genetics
Classification: Uncertain significance. Last evaluated: 2024-07-29. Review status: criteria provided, single submitter. Criteria: ACMG Guidelines, 2015. Collection method: clinical testing. Allele origin: germline.

Ambry Genetics
Classification: Likely benign for Hereditary cancer-predisposing syndrome. Last evaluated: 2018-02-28. Review status: criteria provided, single submitter. Criteria: Ambry Variant Classification Scheme 2023. Collection method: clinical testing. Allele origin: germline.

ITMI
No classification provided. Condition: AllHighlyPenetrant. Last evaluated: 2013-09-19. Review status: no classification provided. Collection method: reference population. Allele origin: germline. Not counted in ClinVar's aggregate classification.
Comment: Please see associated publication for description of ethnicities

Literature cited by the submitters: PubMed 24728327 (cited by ITMI).